The following is an entry in ClinVar:

ClinVar aggregate classification (germline): Uncertain significance. Review status: criteria provided, multiple submitters, no conflicts (2 of 4 stars). 2 submissions from 2 submitters: Uncertain significance (2). Last evaluated 2025-12-15.

Allele frequency attached by ClinVar (database versions not stated): 1000 Genomes Project 30x 0.00016; TOPMed 0.00018; ExAC 0.00033; ESP Exome Variant Server 0.00038.
gnomAD v4.1: 522 of 1,613,982 alleles (0.032%); highest among the groups gnomAD compares: Non-Finnish European, 0.028%; no homozygotes.

Submissions (2):

Labcorp Genetics (formerly Invitae), Labcorp
Classification: Uncertain significance. Last evaluated: 2025-12-15. Review status: criteria provided, single submitter. Criteria: Invitae Variant Classification Sherloc (09022015). Collection method: clinical testing. Allele origin: germline.
Comment: This sequence change replaces threonine, which is neutral and polar, with asparagine, which is neutral and polar, at codon 1669 of the NIN protein (p.Thr1669Asn). This variant is present in population databases (rs143813444, gnomAD 0.1%), and has an allele count higher than expected for a pathogenic variant. This variant has not been reported in the literature in individuals affected with NIN-related conditions. ClinVar contains an entry for this variant (Variation ID: 2187434). An algorithm developed to predict the effect of missense changes on protein structure and function (PolyPhen-2) suggests that this variant is likely to be tolerated. In summary, the available evidence is currently insufficient to determine the role of this variant in disease. Therefore, it has been classified as a Variant of Uncertain Significance.

CeGaT Center for Human Genetics Tuebingen
Classification: Uncertain significance. Last evaluated: 2024-08-01. Review status: criteria provided, single submitter. Criteria: CeGaT Center For Human Genetics Tuebingen Variant Classification Criteria Version 2. Collection method: clinical testing. Allele origin: germline. Affected: yes. Observed: 1 variant allele.
Comment: NIN: PM2, BP4

NM_020921.4(NIN):c.5006C>A (p.Thr1669Asn)

Gene: NIN (ninein; minus strand). Cytogenetic location: 14q22.1.
Variant type: single nucleotide variant.
Coding change: c.5006C>A on transcript NM_020921.4 (MANE Select); coding-DNA position 5006, C replaced by A.
Protein change: p.Thr1669Asn; replaces threonine 1669 with asparagine.
Molecular consequence: missense variant.
Genome position (GRCh38, 1-based): chr14:50,748,050, G>T on the plus strand (C>A on the coding strand, the complement: NIN is on the minus strand). VCF-style: chr14-50748050-G-T. GRCh37 (hg19) VCF-style: chr14-51214768-G-T.
Other names: c.2867C>A, p.Thr956Asn (NM_016350.5); c.5006C>A, p.Thr1669Asn (NM_182944.3, NM_182946.2); short protein forms T1669N, T956N.
Identifiers: ClinVar variation 2187434 (VCV002187434.20), dbSNP rs143813444, ClinGen allele CA7181439.